The following is an entry in ClinVar:

ClinVar aggregate classification (germline): Likely benign. Review status: reviewed by expert panel (3 of 4 stars). 3 submissions from 3 submitters: Likely benign (1). 2 of the submissions do not count toward it. Last evaluated 2022-03-08.

Conditions:
Inborn genetic diseases. Identifiers: MedGen C0950123, MeSH D030342.
Hereditary thrombocytopenia and hematologic cancer predisposition syndrome. Identifiers: Orphanet 71290, MedGen CN281654, MONDO:0011071.
Hereditary thrombocytopenia and hematological cancer predisposition syndrome associated with RUNX1. Also called: Familial Platelet Disorder with Propensity to Acute Myelogenous Leukemia; Familial thrombocytopenia with propensity to acute myelogenous leukemia; PLATELET DISORDER, ASPIRIN-LIKE; RUNX1 Familial Platelet Disorder with Associated Myeloid Malignancies. Identifiers: Orphanet 71290, MedGen C1832388, MeSH C563324, MONDO:0100083, OMIM 601399.

Allele frequency attached by ClinVar (database versions not stated): TOPMed below 0.00001; gnomAD 0.00001; gnomAD exomes 0.00001; ExAC 0.00003.
gnomAD v4.1: 7 of 1,589,286 alleles (0.00044%); highest among the groups gnomAD compares: Admixed American, 0.012%; no homozygotes.

Submissions (3):

ClinGen Myeloid Malignancy Variant Curation Expert Panel
Classification: Likely benign for Hereditary thrombocytopenia and hematologic cancer predisposition syndrome. Last evaluated: 2022-03-08. Review status: reviewed by expert panel. Criteria: ClinGen MyeloMalig ACMG Specifications v2. Collection method: curation. Allele origin: germline. Inheritance: Autosomal dominant inheritance.
Comment: NM_001754.5(RUNX1):c.1098C>T (p.Ile366=) is a synonymous variant therefore no REVEL score and SpliceAI is ≤0.20 (0.00) (BP4). Evolutionary conservation prediction algorithms predict the site as not being conserved (PhyloP score -0.378488 < 2.0 or the variant is the reference nucleotide in one primate and/or three mammal species) (BP7). In summary, this variant meets criteria to be classified as likely benign. ACMG/AMP criteria applied, as specified by the Myeloid Malignancy Variant Curation Expert Panel for RUNX1: BP4 and BP7

Ambry Genetics
Classification: Likely benign for Inborn genetic diseases. Last evaluated: 2024-12-24. Review status: criteria provided, single submitter. Criteria: Ambry Variant Classification Scheme 2023. Collection method: clinical testing. Allele origin: germline. Not counted in ClinVar's aggregate classification.

Labcorp Genetics (formerly Invitae), Labcorp
Classification: Likely benign for Hereditary thrombocytopenia and hematological cancer predisposition syndrome associated with RUNX1. Last evaluated: 2024-04-25. Review status: criteria provided, single submitter. Criteria: Invitae Variant Classification Sherloc (09022015). Collection method: clinical testing. Allele origin: germline. Not counted in ClinVar's aggregate classification.

NM_001754.5(RUNX1):c.1098C>T (p.Ile366=)

Gene: RUNX1 (RUNX family transcription factor 1; minus strand). Cytogenetic location: 21q22.12.
Variant type: single nucleotide variant.
Coding change: c.1098C>T on transcript NM_001754.5 (MANE Select); coding-DNA position 1098, C replaced by T.
Protein change: p.Ile366=; no amino-acid change (isoleucine 366 retained).
Molecular consequence: synonymous variant.
Genome position (GRCh38, 1-based): chr21:34,792,480, G>A on the plus strand (C>T on the coding strand, the complement: RUNX1 is on the minus strand). VCF-style: chr21-34792480-G-A. GRCh37 (hg19) VCF-style: chr21-36164777-G-A.
Other names: NM_001754.5(RUNX1):c.1098C>T; p.Ile366=; c.1017C>T, p.Ile339= (NM_001001890.3); c.1098C>T (NM_001754.4).
Identifiers: ClinVar variation 1129441 (VCV001129441.11), dbSNP rs767561590, ClinGen allele CA10014203.
Genomic context (GRCh38, chr21:34,792,480, plus strand): 5'-GGGGTAGGGCGGCGGCAGGTAGGTGTGGTAGCGCGTGGCCGAGCCCATGGCCGACATGCC[G>A]ATGCCGATGCCCGAGGTGACCGGCGTCGGGGAGTAGGTGAAGGCGCCTGGATAGTGCATG-3'
Protein context (NP_001745.2, residues 356-376): SPTPVTSGIG[Ile366=]GMSAMGSATR